The following is an entry in ClinVar:

ClinVar aggregate classification (germline): Benign. Review status: criteria provided, single submitter (1 of 4 stars). 2 submissions from 2 submitters: Benign (1). 1 of the submissions does not count toward it. Last evaluated 2018-06-08.

Conditions:
LRP8-related disorder. Also called: LRP8-related condition.

Allele frequency attached by ClinVar (database versions not stated): gnomAD exomes 0.00055; ESP Exome Variant Server 0.00140; ExAC 0.00183; 1000 Genomes Project 0.00200; 1000 Genomes Project 30x 0.00250; gnomAD 0.00258 and 0.00280; TOPMed 0.00310.
gnomAD v4.1: 794 of 1,538,470 alleles (0.052%); highest among the groups gnomAD compares: African/African-American, 0.9%; 5 homozygotes.

Submissions (2):

Labcorp Genetics (formerly Invitae), Labcorp
Classification: Benign. Last evaluated: 2018-06-08. Review status: criteria provided, single submitter. Criteria: Invitae Variant Classification Sherloc (09022015). Collection method: clinical testing. Allele origin: germline.

PreventionGenetics, part of Exact Sciences
Classification: Benign for LRP8-related condition. Last evaluated: 2019-05-22. Review status: no assertion criteria provided. Collection method: clinical testing. Allele origin: germline. Not counted in ClinVar's aggregate classification.
Comment: This variant is classified as benign based on ACMG/AMP sequence variant interpretation guidelines (Richards et al. 2015 PMID: 25741868, with internal and published modifications).

NM_004631.5(LRP8):c.867G>A (p.Ser289=)

Gene: LRP8 (LDL receptor related protein 8; minus strand). Cytogenetic location: 1p32.3.
Variant type: single nucleotide variant.
Coding change: c.867G>A on transcript NM_004631.5 (MANE Select); coding-DNA position 867, G replaced by A.
Protein change: p.Ser289=; no amino-acid change (serine 289 retained).
Molecular consequence: synonymous variant. On other transcripts: intron variant (2).
Genome position (GRCh38, 1-based): chr1:53,276,708, C>T on the plus strand (G>A on the coding strand, the complement: LRP8 is on the minus strand). VCF-style: chr1-53276708-C-T. GRCh37 (hg19) VCF-style: chr1-53742380-C-T.
Other names: c.867G>A, p.Ser289= (NM_001018054.3); c.496+3879G>A (NM_033300.4); c.497-955G>A (NM_017522.5).
Identifiers: ClinVar variation 711831 (VCV000711831.5), dbSNP rs75700300, ClinGen allele CA860379.